The following is an entry in ClinVar:

NC_000011.9:g.(?_47356573)_(47365195_?)dup

Gene: MYBPC3 (myosin binding protein C3; minus strand). Cytogenetic location: 11p11.2.
Variant type: Duplication.
Identifiers: ClinVar variation 3244528 (VCV003244528.1).

ClinVar aggregate classification (germline): Uncertain significance (1 of 4 stars; one submission).

Conditions:
Hypertrophic cardiomyopathy. Also called: HYPERTROPHIC MYOCARDIOPATHY. Identifiers: Orphanet 217569, MedGen C0007194, MeSH D002312, MONDO:0005045, HP:0001639.

Submission:

Labcorp Genetics (formerly Invitae), Labcorp
Classification: Uncertain significance for Hypertrophic cardiomyopathy. Last evaluated: 2023-12-30. Review status: criteria provided, single submitter. Criteria: Invitae Variant Classification Sherloc (09022015). Collection method: clinical testing. Allele origin: unknown.
Comment: This variant results in a copy number gain of the genomic region encompassing exon(s) 13-27 of the MYBPC3 gene. While the exact position of this variant cannot be determined from the data, sub-genic copy number gains are generally in tandem (PMID: 25640679). This variant is predicted to be in-frame, and likely preserves the integrity of the reading frame. A similar copy number variant has been observed in individual(s) with hypertrophic cardiomyopathy (PMID: 19543287). In summary, the available evidence is currently insufficient to determine the role of this variant in disease. Therefore, it has been classified as a Variant of Uncertain Significance.

Literature cited by the submitters: PubMed 25640679; PubMed 19543287.